The following is an entry in ClinVar:

GRCh37/hg19 16p11.2(chr16:29432213-30240227)x1

Genes: ALDOA (aldolase, fructose-bisphosphate A; plus strand), ASPHD1 (aspartate beta-hydroxylase domain containing 1; plus strand), BOLA2 (bolA family member 2; minus strand), BOLA2B (bolA family member 2B; minus strand), C16orf54 (chromosome 16 open reading frame 54; minus strand) and 28 more. Cytogenetic location: 16p11.2.
Variant type: copy number loss.
Change: copy number 1 (one copy instead of two) of chr16:29,432,213-30,240,227 (808.0 kb, GRCh37 coordinates, 1-based), cytogenetic band 16p11.2.
Identifiers: ClinVar variation 1808204 (VCV001808204.1).

ClinVar aggregate classification (germline): Pathogenic (1 of 4 stars; one submission).

Submission:

Quest Diagnostics Nichols Institute San Juan Capistrano
Classification: Pathogenic. Last evaluated: 2024-06-20. Review status: criteria provided, single submitter. Criteria: ACMG/ClinGen CNV Guidelines, 2019. Collection method: clinical testing. Allele origin: unknown.
Comment: This copy number loss is consistent with the proximal (BP4-BP5) 16p11.2 recurrent region (OMIM 611913; ISCA-37400), haploinsufficiency of which is associated with neurodevelopmental issues, obesity, and variable congenital malformations (Taylor 2021). Therefore, this copy number variant is classified as pathogenic. References: Taylor et al., GeneReviews [Internet]. [2021 Oct 28]. PMID: 20301776